The following is an entry in ClinVar:

NM_015114.3(ANKLE2):c.1819G>A (p.Glu607Lys)

Gene: ANKLE2 (ankyrin repeat and LEM domain containing 2; minus strand). Cytogenetic location: 12q24.33.
Variant type: single nucleotide variant.
Coding change: c.1819G>A on transcript NM_015114.3 (MANE Select); coding-DNA position 1819, G replaced by A.
Protein change: p.Glu607Lys; replaces glutamic acid 607 with lysine.
Molecular consequence: missense variant.
Genome position (GRCh38, 1-based): chr12:132,734,457, C>T on the plus strand (G>A on the coding strand, the complement: ANKLE2 is on the minus strand). VCF-style: chr12-132734457-C-T. GRCh37 (hg19) VCF-style: chr12-133311043-C-T.
Other names: short protein forms E607K.
Identifiers: ClinVar variation 1302122 (VCV001302122.2), dbSNP rs1404377742, ClinGen allele CA387352548.
Genomic context (GRCh38, chr12:132,734,457, plus strand): 5'-CTTTATCTCGGCAGGAGGCTTCCCGTTCTCCTGTTTCTTGTTGAGCCTTTTTGCCTATTT[C>T]CTGCTGTGTGAGATATTCTTCTAGTCTTTGCAGGCCTTCCTGGGAAGACAGATCAACAAA-3'
Protein context (NP_055929.1, residues 597-617): QRLEEYLTQQ[Glu607Lys]IGKKAQQETG

ClinVar aggregate classification (germline): Uncertain significance (1 of 4 stars; one submission).

Allele frequency attached by ClinVar (database versions not stated): gnomAD exomes below 0.00001 and 0.00001; gnomAD 0.00001; TOPMed 0.00001.
gnomAD v4.1: 6 of 1,613,974 alleles (0.00037%); highest among the groups gnomAD compares: Middle Eastern, 0.033%; no homozygotes.

Submission:

GeneDx
Classification: Uncertain significance. Last evaluated: 2019-06-03. Review status: criteria provided, single submitter. Criteria: GeneDx Variant Classification Process June 2021. Collection method: clinical testing. Allele origin: germline. Affected: yes.
Comment: Not observed at a significant frequency in large population cohorts (Lek et al., 2016); In silico analysis, which includes protein predictors and evolutionary conservation, supports a deleterious effect; Has not been previously published as pathogenic or benign to our knowledge